The following is an entry in ClinVar:

ClinVar aggregate classification (germline): Uncertain significance (1 of 4 stars; one submission).

Allele frequency attached by ClinVar (database versions not stated): gnomAD exomes below 0.00001; ExAC 0.00002.
gnomAD v4.1: 3 of 1,614,208 alleles (0.00019%); highest among the groups gnomAD compares: Non-Finnish European, 0.00017%; no homozygotes.

Submission:

Labcorp Genetics (formerly Invitae), Labcorp
Classification: Uncertain significance. Last evaluated: 2023-10-10. Review status: criteria provided, single submitter. Criteria: Invitae Variant Classification Sherloc (09022015). Collection method: clinical testing. Allele origin: germline.
Comment: This sequence change replaces proline, which is neutral and non-polar, with serine, which is neutral and polar, at codon 646 of the SH3PXD2B protein (p.Pro646Ser). This variant is present in population databases (rs770323424, gnomAD 0.002%). This variant has not been reported in the literature in individuals affected with SH3PXD2B-related conditions. An algorithm developed to predict the effect of missense changes on protein structure and function (PolyPhen-2) suggests that this variant is likely to be disruptive. In summary, the available evidence is currently insufficient to determine the role of this variant in disease. Therefore, it has been classified as a Variant of Uncertain Significance.

NM_001017995.3(SH3PXD2B):c.1936C>T (p.Pro646Ser)

Gene: SH3PXD2B (SH3 and PX domains 2B; minus strand). Cytogenetic location: 5q35.1.
Variant type: single nucleotide variant.
Coding change: c.1936C>T on transcript NM_001017995.3 (MANE Select); coding-DNA position 1936, C replaced by T.
Protein change: p.Pro646Ser; replaces proline 646 with serine.
Molecular consequence: missense variant. On other transcripts: intron variant (1).
Genome position (GRCh38, 1-based): chr5:172,339,169, G>A on the plus strand (C>T on the coding strand, the complement: SH3PXD2B is on the minus strand). VCF-style: chr5-172339169-G-A. GRCh37 (hg19) VCF-style: chr5-171766173-G-A.
Other names: c.1188+6967C>T (NM_001308175.2); short protein forms P646S.
Identifiers: ClinVar variation 2835431 (VCV002835431.3), dbSNP rs770323424, ClinGen allele CA3561073.
Genomic context (GRCh38, chr5:172,339,169, plus strand): 5'-GGTTGCAGATGTCGACTTGGTCTTCGCCCTGAGGTGGCTCCGTTTTGGGGGAAGGAGCTG[G>A]TTTTGGCCTAACCTGAGGTCTGGACTTCAAGAAGGGATTCTGGGGAGTGGCATCTGGCTT-3'
Protein context (NP_001017995.1, residues 636-656): LKSRPQVRPK[Pro646Ser]APSPKTEPPQ